The following is an entry in ClinVar:

ClinVar aggregate classification (germline): Likely benign (1 of 4 stars; one submission).

Submission:

CeGaT Center for Human Genetics Tuebingen
Classification: Likely benign. Last evaluated: 2026-07-01. Review status: criteria provided, single submitter. Criteria: CeGaT Center For Human Genetics Tuebingen Variant Classification Criteria Version 2. Collection method: clinical testing. Allele origin: germline. Affected: yes. Observed: 1 variant allele.
Comment: GALE: PM2:Supporting, BP4, BP7

NM_001008216.2(GALE):c.777A>G (p.Lys259=)

Gene: GALE (UDP-galactose-4-epimerase; minus strand). Cytogenetic location: 1p36.11.
Variant type: single nucleotide variant.
Coding change: c.777A>G on transcript NM_001008216.2 (MANE Select); coding-DNA position 777, A replaced by G.
Protein change: p.Lys259=; no amino-acid change (lysine 259 retained).
Molecular consequence: synonymous variant.
Genome position (GRCh38, 1-based): chr1:23,796,715, T>C on the plus strand (A>G on the coding strand, the complement: GALE is on the minus strand). VCF-style: chr1-23796715-T-C. GRCh37 (hg19) VCF-style: chr1-24123205-T-C.
Other names: c.777A>G, p.Lys259= (NM_000403.4, NM_001127621.2).
Identifiers: ClinVar variation 5039534 (VCV005039534.1).